The following is an entry in ClinVar:

ClinVar aggregate classification (germline): Uncertain significance (1 of 4 stars; one submission).

Conditions:
Cardiovascular phenotype. Identifiers: MedGen CN230736.

gnomAD v4.1: 3 of 1,612,602 alleles (0.00019%); highest among the groups gnomAD compares: Non-Finnish European, 0.00025%; no homozygotes.

Submission:

Ambry Genetics
Classification: Uncertain significance for Cardiovascular phenotype. Last evaluated: 2025-01-16. Review status: criteria provided, single submitter. Criteria: Ambry Variant Classification Scheme 2023. Collection method: clinical testing. Allele origin: germline.
Comment: The p.L4197P variant (also known as c.12590T>C), located in coding exon 29 of the APOB gene, results from a T to C substitution at nucleotide position 12590. The leucine at codon 4197 is replaced by proline, an amino acid with similar properties. This amino acid position is conserved. In addition, the in silico prediction for this alteration is inconclusive. Based on the available evidence, the clinical significance of this variant remains unclear.

NM_000384.3(APOB):c.12590T>C (p.Leu4197Pro)

Gene: APOB (apolipoprotein B; minus strand). Cytogenetic location: 2p24.1.
Variant type: single nucleotide variant.
Coding change: c.12590T>C on transcript NM_000384.3 (MANE Select); coding-DNA position 12590, T replaced by C.
Protein change: p.Leu4197Pro; replaces leucine 4197 with proline.
Molecular consequence: missense variant.
Genome position (GRCh38, 1-based): chr2:21,002,832, A>G on the plus strand (T>C on the coding strand, the complement: APOB is on the minus strand). VCF-style: chr2-21002832-A-G. GRCh37 (hg19) VCF-style: chr2-21225704-A-G.
Other names: short protein forms L4197P.
Identifiers: ClinVar variation 3885172 (VCV003885172.1).